The following is an entry in ClinVar:

ClinVar aggregate classification (germline): Uncertain significance. Review status: criteria provided, multiple submitters, no conflicts (2 of 4 stars). 3 submissions from 3 submitters: Uncertain significance (3). Last evaluated 2025-12-09.

Conditions:
Fucosidosis. Also called: ALPHA-L-FUCOSIDASE DEFICIENCY. Identifiers: Orphanet 349, MedGen C0016788, MONDO:0009254, OMIM 230000.
Inborn genetic diseases. Identifiers: MedGen C0950123, MeSH D030342.

Allele frequency attached by ClinVar (database versions not stated): gnomAD 0.00005 and 0.00007; ExAC 0.00006; gnomAD exomes 0.00006 and 0.00012; TOPMed 0.00017; 1000 Genomes Project 0.00040; 1000 Genomes Project 30x 0.00062.
gnomAD v4.1: 107 of 1,558,560 alleles (0.0069%); highest among the groups gnomAD compares: Middle Eastern, 0.23%; no homozygotes.

Submissions (3):

Labcorp Genetics (formerly Invitae), Labcorp
Classification: Uncertain significance for Fucosidosis. Last evaluated: 2025-12-09. Review status: criteria provided, single submitter. Criteria: Invitae Variant Classification Sherloc (09022015). Collection method: clinical testing. Allele origin: germline.
Comment: This sequence change replaces proline, which is neutral and non-polar, with serine, which is neutral and polar, at codon 13 of the FUCA1 protein (p.Pro13Ser). This variant is present in population databases (rs569701574, gnomAD 0.04%). This variant has not been reported in the literature in individuals affected with FUCA1-related conditions. ClinVar contains an entry for this variant (Variation ID: 1476068). Invitae Evidence Modeling of protein sequence and biophysical properties (such as structural, functional, and spatial information, amino acid conservation, physicochemical variation, residue mobility, and thermodynamic stability) indicates that this missense variant is not expected to disrupt FUCA1 protein function with a negative predictive value of 95%. In summary, the available evidence is currently insufficient to determine the role of this variant in disease. Therefore, it has been classified as a Variant of Uncertain Significance.

Mayo Clinic Laboratories, Mayo Clinic
Classification: Uncertain significance. Last evaluated: 2025-09-03. Review status: criteria provided, single submitter. Criteria: ACMG Guidelines, 2015. Collection method: clinical testing. Allele origin: germline. Observed: 1 variant allele.
Comment: BP4_moderate

Ambry Genetics
Classification: Uncertain significance for Inborn genetic diseases. Last evaluated: 2025-08-08. Review status: criteria provided, single submitter. Criteria: Ambry Variant Classification Scheme 2023. Collection method: clinical testing. Allele origin: germline.

NM_000147.5(FUCA1):c.37C>T (p.Pro13Ser)

Gene: FUCA1 (alpha-L-fucosidase 1; minus strand). Cytogenetic location: 1p36.11.
Variant type: single nucleotide variant.
Coding change: c.37C>T on transcript NM_000147.5 (MANE Select); coding-DNA position 37, C replaced by T.
Protein change: p.Pro13Ser; replaces proline 13 with serine.
Molecular consequence: missense variant.
Genome position (GRCh38, 1-based): chr1:23,868,250, G>A on the plus strand (C>T on the coding strand, the complement: FUCA1 is on the minus strand). VCF-style: chr1-23868250-G-A. GRCh37 (hg19) VCF-style: chr1-24194740-G-A.
Other names: p.Pro13Ser; c.37C>T (NM_000147.4); short protein forms P13S.
Identifiers: ClinVar variation 1476068 (VCV001476068.6), dbSNP rs569701574, ClinGen allele CA686633.
Genomic context (GRCh38, chr1:23,868,250, plus strand): 5'-GCTGGGCCCGACGCACCGACTCGGCCGCTCCGAGGAAGAGCAGCAGCAGCAACAGCGCGG[G>A]ACCCGCCGGCCGCGACCTCATCCCCGGAGCCCGCATCGCTACCCCTCAGCGACGCGGCCC-3'
Protein context (NP_000138.2, residues 3-23): APGMRSRPAG[Pro13Ser]ALLLLLLFLG